The following is an entry in ClinVar:

NM_000321.3(RB1):c.590C>A (p.Thr197Lys)

Gene: RB1 (RB transcriptional corepressor 1; plus strand). Cytogenetic location: 13q14.2.
Variant type: single nucleotide variant.
Coding change: c.590C>A on transcript NM_000321.3 (MANE Select); coding-DNA position 590, C replaced by A.
Protein change: p.Thr197Lys; replaces threonine 197 with lysine.
Molecular consequence: missense variant.
Genome position (GRCh38, 1-based): chr13:48,349,006, C>A. VCF-style: chr13-48349006-C-A. GRCh37 (hg19) VCF-style: chr13-48923142-C-A.
Other names: short protein forms T197K.
Identifiers: ClinVar variation 428705 (VCV000428705.6), dbSNP rs1131690883, ClinGen allele CA388156982.

ClinVar aggregate classification (germline): Uncertain significance. Review status: criteria provided, multiple submitters, no conflicts (2 of 4 stars). 2 submissions from 2 submitters: Uncertain significance (2). Last evaluated 2024-05-20.

Conditions:
Retinoblastoma (RB1). Also called: RETINOBLASTOMA, SOMATIC. Identifiers: Orphanet 790, MedGen C0035335, MeSH D012175, MONDO:0008380, OMIM 180200, HP:0009919. Disease mechanism: loss of function. Inheritance: Both sporadic and heritable forms are tested..
Hereditary cancer-predisposing syndrome. Also called: Hereditary Cancer Syndrome; Neoplastic Syndromes, Hereditary; Hereditary neoplastic syndrome; Tumor predisposition. Identifiers: Orphanet 140162, MedGen C0027672, MeSH D009386, MONDO:0015356.

Submissions (2):

Genetic Diagnostic Laboratory, University of Pennsylvania School of Medicine
Classification: Uncertain significance for Retinoblastoma. Last evaluated: 2024-05-20. Review status: criteria provided, single submitter. Criteria: ACMG Guidelines, 2015. Collection method: clinical testing. Allele origin: germline. Affected: yes. Observed: 1 variant allele.
Comment: Case and Pedigree Information: BILATERAL CASES:0, UNILATERAL CASES:1, TOTAL CASES:1, PEDIGREES:1. ACMG Codes Applied:PM2

Ambry Genetics
Classification: Uncertain significance for Hereditary cancer-predisposing syndrome. Last evaluated: 2015-02-13. Review status: criteria provided, single submitter. Criteria: Ambry Variant Classification Scheme 2023. Collection method: clinical testing. Allele origin: germline.
Comment: The p.T197K variant (also known as c.590C>A) is located in coding exon 6 of the RB1 gene. This alteration results from a C to A substitution at nucleotide position 590. The threonine at codon 197 is replaced by lysine, an amino acid with similar properties. This variant was not reported in population-based cohorts in the following databases: Database of Single Nucleotide Polymorphisms (dbSNP), NHLBI Exome Sequencing Project (ESP) and 1000 Genomes Project. In the ESP, this variant was not observed in 6,478 samples (12,956 alleles) with coverage at this position. To date, this alteration has been detected with an allele frequency of approximately 0.25% (greater than 400 alleles tested) in our clinical cohort. This amino acid position is highly conserved in available vertebrate species. In addition, this alteration is predicted to be benign by PolyPhen but deleterious by SIFT in silico analyses. Since supporting evidence is limited at this time, the clinical significance of p.T197K remains unclear.